The following continues an entry in ClinVar:

NM_000277.3(PAH):c.194T>C (p.Ile65Thr)

Gene: PAH. ClinVar aggregate classification (germline): Pathogenic. Pathogenic (1).

Submissions 9 to 24 of 31:

3billion
Classification: Pathogenic for Phenylketonuria. Last evaluated: 2024-12-30. Review status: criteria provided, single submitter. Criteria: ACMG Guidelines, 2015. Collection method: clinical testing. Allele origin: germline. Affected: yes. Not counted in ClinVar's aggregate classification.
Comment: The variant is observed at an extremely low frequency in the gnomAD v4.1.0 dataset (total allele frequency: 0.060%). Predicted Consequence/Location: Missense variant Functional studies provide strong evidence of the variant having a damaging effect on the gene or gene product (PMID: 1301201). In silico tool predictions suggest damaging effect of the variant on gene or gene product [REVEL: 0.98 (>=0.6, sensitivity 0.68 and specificity 0.92); 3Cnet: 0.99 (>=0.6, sensitivity 0.72 and precision 0.9)]. The same nucleotide change resulting in the same amino acid change has been previously reported as pathogenic/likely pathogenic with strong evidence (ClinVar ID: VCV000000636 /PMID: 1301187 /3billion dataset). The variant has been reported to be in trans with a pathogenic variant as either compound heterozygous or homozygous in at least 4 similarly affected unrelated individuals (PMID: 10767174, 12501224, 1301201). Different missense changes at the same codon (p.Ile65Asn, p.Ile65Ser, p.Ile65Val) have been reported as pathogenic/likely pathogenic with strong evidence (ClinVar ID: VCV000102622, VCV000102623 /PMID: 12501224, 22526846, 9521426). Therefore, this variant is classified as Pathogenic according to the recommendation of ACMG/AMP guideline.

Ambry Genetics
Classification: Pathogenic for Inborn genetic diseases. Last evaluated: 2024-12-23. Review status: criteria provided, single submitter. Criteria: Ambry Variant Classification Scheme 2023. Collection method: clinical testing. Allele origin: germline. Not counted in ClinVar's aggregate classification.
Comment: The c.194T>C (p.I65T) alteration is located in coding exon 3 of the PAH gene. This alteration results from a T to C substitution at nucleotide position 194, causing the isoleucine (I) at amino acid position 65 to be replaced by a threonine (T). Based on data from the Genome Aggregation Database (gnomAD), the PAH c.194T>C alteration was observed in 0.03% (83/282610) of total alleles studied, with a frequency of 0.06% (72/129008) in the European (non-Finnish) subpopulation. No homozygotes were observed. The c.194T>C (p.I65T) alteration has been described homozygous and compound heterozygous with a second allele in multiple unrelated families with phenotypes ranging from hyperphenylalaninemia to classic PKU (Couce, 2013; Desviat, 2004; John, 1992; Muntau, 2002; Rivera, 2000). The p.I65 amino acid is conserved in available vertebrate species. In vitro functional studies determined protein expressing the c.194T>C (p.I65T) alteration decreased PAH activity to less than 50% of wild type activity. When observed with a second deleterious alteration, residual PAH activity ranged between 5.5% to 48% (John, 1992; Shen, 2016). The p.I65T alteration is predicted to be deleterious by in silico analysis. Based on the available evidence, this alteration is classified as pathogenic.

Blueprint Genetics
Classification: Pathogenic for PAH-related disorders. Last evaluated: 2024-11-08. Review status: criteria provided, single submitter. Criteria: ACMG Guidelines, 2015. Collection method: clinical testing. Allele origin: germline. Affected: yes. Observed: 5 variant alleles. Not counted in ClinVar's aggregate classification.

Mayo Clinic Laboratories, Mayo Clinic
Classification: Pathogenic. Last evaluated: 2024-05-29. Review status: criteria provided, single submitter. Criteria: ACMG Guidelines, 2015. Collection method: clinical testing. Allele origin: germline. Not counted in ClinVar's aggregate classification.
Comment: PP3, PP4_moderate, PM2_moderate, PM3_very_strong

Department of Pathology and Laboratory Medicine, Sinai Health System
Classification: Pathogenic for Phenylketonuria. Last evaluated: 2023-04-08. Review status: criteria provided, single submitter. Criteria: ACMG Guidelines, 2015. Collection method: research. Allele origin: germline. Not counted in ClinVar's aggregate classification.

Greenwood Genetic Center Diagnostic Laboratories, Greenwood Genetic Center
Classification: Pathogenic for Phenylketonuria. Last evaluated: 2022-07-26. Review status: criteria provided, single submitter. Criteria: ACMG Guidelines, 2015. Collection method: clinical testing. Allele origin: germline. Affected: yes. Not counted in ClinVar's aggregate classification.
Comment: PS3, PM3_Very Strong, PP3

Revvity Omics, Revvity
Classification: Pathogenic for Phenylketonuria. Last evaluated: 2022-06-29. Review status: criteria provided, single submitter. Criteria: ACMG Guidelines, 2015. Collection method: clinical testing. Allele origin: germline. Not counted in ClinVar's aggregate classification.

Fulgent Genetics
Classification: Pathogenic for Phenylketonuria. Last evaluated: 2022-04-28. Review status: criteria provided, single submitter. Criteria: ACMG Guidelines, 2015. Collection method: clinical testing. Allele origin: unknown. Not counted in ClinVar's aggregate classification.

Quest Diagnostics Nichols Institute San Juan Capistrano
Classification: Pathogenic. Last evaluated: 2021-04-27. Review status: criteria provided, single submitter. Criteria: Quest Diagnostics criteria. Collection method: clinical testing. Allele origin: unknown. Not counted in ClinVar's aggregate classification.
Comment: The PAH c.194T>C (p.Ile65Thr) variant is associated with a variable phenotype that ranges from non-PKU hyperphenylalaninemia to classic PKU (PMID: 1301201 (1992), 12501224 (2002), 15557004 (2004)). Assessment of experimental evidence regarding the effect of this variant suggests it causes decreased enzyme activity with a residual activity of about 30% (PMID: 26803807 (2016), 12655546 (2003), 1301201 (1992)). Therefore, the variant is classified as pathogenic.

GeneDx
Classification: Pathogenic. Last evaluated: 2020-09-22. Review status: criteria provided, single submitter. Criteria: GeneDx Variant Classification Process June 2021. Collection method: clinical testing. Allele origin: germline. Affected: yes. Not counted in ClinVar's aggregate classification.
Comment: Common pathogenic PAH variant most often reported in association with mild-moderate phenylketonuria (PKU) (Pey et al., 2007; Zurfluh et al, 2008; Danecka et al. 2015). It has also been identified in an individual with classic PKU (Couce et al., 2013).; Functional studies demonstrate I65T is associated with reduced phenylalanine hydroxylase activity compared to wild-type (Danecka et al., 2015); In silico analysis supports that this missense variant has a deleterious effect on protein structure/function; This variant is associated with the following publications: (PMID: 1301187, 17924342, 1301201, 22975760, 30963030, 23500595, 17935162, 11326337, 23559577, 12655546, 25596310, 19036622, 11461190, 21953985, 27121329, 28645531, 25087612, 27264808, 26803807, 19194782, 29030855, 30648773, 30747360, 31980526, 30275481, 31589614, 32668217, 32853555)

Myriad Genetics, Inc.
Classification: Likely pathogenic for Phenylketonuria. Last evaluated: 2019-12-24. Review status: criteria provided, single submitter. Criteria: Myriad Women's Health Autosomal Recessive and X-Linked Classification Criteria (2019). Collection method: clinical testing. Allele origin: unknown. Not counted in ClinVar's aggregate classification.
Comment: NM_000277.1(PAH):c.194T>C(I65T) is classified as likely pathogenic in the context of phenylalanine hydroxylase deficiency and may be associated with classic, variant, or non-PKU hyperphenylalaninemia. Sources cited for classification include the following: PMID 11524738, 23500595, 11326337, 1301187, 17935162, 15557004, 8533759, and 9781015. Classification of NM_000277.1(PAH):c.194T>C(I65T) is based on the following criteria: This variant has been observed more frequently in patients with clinical diagnoses than in healthy populations. Please note: this variant was assessed in the context of healthy population screening.

Laboratorio de Genetica e Diagnostico Molecular, Hospital Israelita Albert Einstein
Classification: Pathogenic. Last evaluated: 2019-03-08. Review status: criteria provided, single submitter. Criteria: ACMG Guidelines, 2015. Collection method: clinical testing. Allele origin: germline. Affected: yes. Not counted in ClinVar's aggregate classification.
Comment: ACMG classification criteria: PS3, PS4, PM1, PM2, PM3, PP3

Eurofins Ntd Llc (ga)
Classification: Pathogenic. Last evaluated: 2018-07-02. Review status: criteria provided, single submitter. Criteria: EGL ClinVar v180209 classification definitions. Collection method: clinical testing. Allele origin: germline. Observed: 31 variant alleles, 31 heterozygotes. Not counted in ClinVar's aggregate classification.

Women's Health and Genetics/Laboratory Corporation of America, LabCorp
Classification: Pathogenic for Phenylketonuria. Last evaluated: 2017-01-26. Review status: criteria provided, single submitter. Criteria: LabCorp Variant Classification Summary - May 2015. Collection method: clinical testing. Allele origin: germline. Not counted in ClinVar's aggregate classification.
Comment: Variant summary: The PAH c.194T>C (p.Ile65Thr) variant located in the ACT domain (via InterPro) involves the alteration of a conserved nucleotide, which 5/5 in silico tools predict a damaging outcome. The variant of interest was observed in the large, broad control population, ExAC, with an allele frequency of 22/121240 (1/5509), which does not exceed the estimated maximal expected allele frequency for a pathogenic PAH variant of 1/126. Multiple publications cite the variant in affected individuals, predominantly as compound heterozygous and was indicated to cause a mild PKU phenotype. In addition, multiple clinical diagnostic laboratories and databases cite the variant as "pathogenic." Therefore, the variant of interest has been classified as "Pathogenic."

Juno Genomics, Hangzhou Juno Genomics, Inc
Classification: Pathogenic for Phenylketonuria. Review status: criteria provided, single submitter. Criteria: ACMG Guidelines, 2015. Collection method: clinical testing. Allele origin: germline. Affected: yes. Not counted in ClinVar's aggregate classification.
Comment: For recessive disorders, detected in trans with a pathogenic variant.;Patient's phenotype or family history is highly specific for a disease with a single genetic etiology.;Well-established in vitro or in vivo functional studies supportive of a damaging effect on the gene or gene product.

UNC Molecular Genetics  Laboratory, University of North Carolina at Chapel Hill
Classification: Pathogenic for Phenylketonuria. Review status: criteria provided, single submitter. Criteria: ACMG Guidelines, 2015. Collection method: research. Allele origin: germline. Affected: yes. Observed: 2 variant alleles. Study: NSIGHT-NC NEXUS. Not counted in ClinVar's aggregate classification.
Comment: The PAH c.194T>C (p.I65T) missense variant has been found in the homozygous and compound heterozygous state in individuals with a range of clinical phenotypes including hyperphenylalaninemia; mild phenylketonuria, and classic phenylketonuria (PMID: 9254847; 1301201; 10767174; 12501224).